The following is an entry in ClinVar:

NM_000138.5(FBN1):c.6730A>G (p.Met2244Val)

Gene: FBN1 (fibrillin 1; minus strand). Cytogenetic location: 15q21.1.
Variant type: single nucleotide variant.
Coding change: c.6730A>G on transcript NM_000138.5 (MANE Select); coding-DNA position 6730, A replaced by G.
Protein change: p.Met2244Val; replaces methionine 2244 with valine.
Molecular consequence: missense variant.
Genome position (GRCh38, 1-based): chr15:48,432,875, T>C on the plus strand (A>G on the coding strand, the complement: FBN1 is on the minus strand). VCF-style: chr15-48432875-T-C. GRCh37 (hg19) VCF-style: chr15-48725072-T-C.
Other names: c.6730A>G, p.Met2244Val (NM_001406716.1); short protein forms M2244V.
Identifiers: ClinVar variation 3751467 (VCV003751467.2).

ClinVar aggregate classification (germline): Uncertain significance (1 of 4 stars; one submission).

Conditions:
Marfan syndrome (MFS). Also called: MARFAN SYNDROME, TYPE I; Marfan syndrome type 1; Marfan's syndrome; Marfan syndrome, classic; FBN1-Related Marfan Syndrome. Identifiers: Orphanet 284963, Orphanet 558, MedGen C0024796, MONDO:0007947, OMIM 154700.
Familial thoracic aortic aneurysm and aortic dissection (TAAD). Also called: Thoracic aortic aneurysms and dissections. Identifiers: Orphanet 91387, MedGen C4707243, MONDO:0019625.

Submission:

Labcorp Genetics (formerly Invitae), Labcorp
Classification: Uncertain significance for Marfan syndrome; Familial thoracic aortic aneurysm and aortic dissection. Last evaluated: 2026-01-04. Review status: criteria provided, single submitter. Criteria: Invitae Variant Classification Sherloc (09022015). Collection method: clinical testing. Allele origin: germline.
Comment: This sequence change replaces methionine, which is neutral and non-polar, with valine, which is neutral and non-polar, at codon 2244 of the FBN1 protein (p.Met2244Val). This variant is not present in population databases (gnomAD no frequency). This variant has not been reported in the literature in individuals affected with FBN1-related conditions. ClinVar contains an entry for this variant (Variation ID: 3751467). Invitae Evidence Modeling of protein sequence and biophysical properties (such as structural, functional, and spatial information, amino acid conservation, physicochemical variation, residue mobility, and thermodynamic stability) has been performed for this missense variant. However, the output from this modeling did not meet the statistical confidence thresholds required to predict the impact of this variant on FBN1 protein function. In summary, the available evidence is currently insufficient to determine the role of this variant in disease. Therefore, it has been classified as a Variant of Uncertain Significance.